The following is an entry in ClinVar:

NM_003737.4(DCHS1):c.206C>T (p.Pro69Leu)

Gene: DCHS1 (dachsous cadherin-related 1; minus strand). Cytogenetic location: 11p15.4.
Variant type: single nucleotide variant.
Coding change: c.206C>T on transcript NM_003737.4 (MANE Select); coding-DNA position 206, C replaced by T.
Protein change: p.Pro69Leu; replaces proline 69 with leucine.
Molecular consequence: missense variant.
Genome position (GRCh38, 1-based): chr11:6,641,408, G>A on the plus strand (C>T on the coding strand, the complement: DCHS1 is on the minus strand). VCF-style: chr11-6641408-G-A. GRCh37 (hg19) VCF-style: chr11-6662639-G-A.
Other names: c.206C>T (NM_003737.3); short protein forms P69L.
Identifiers: ClinVar variation 2956123 (VCV002956123.4), dbSNP rs147489616, ClinGen allele CA5861197.
Genomic context (GRCh38, chr11:6,641,408, plus strand): 5'-CCCACGCCGCTGCCCTCTTGGGCAGAGATGAAGTACATGAGAGGAGCTGCCGTGCCTGCC[G>A]GAAGCCCCGCACTGATGTCGCCAATCAGTGTACCCGCTGGCTGCTCCTCATCAATCTGCA-3'
Protein context (NP_003728.1, residues 59-79): TLIGDISAGL[Pro69Leu]AGTAAPLMYF

ClinVar aggregate classification (germline): Uncertain significance. Review status: criteria provided, multiple submitters, no conflicts (2 of 4 stars). 2 submissions from 2 submitters: Uncertain significance (2). Last evaluated 2026-02-03.

Allele frequency attached by ClinVar (database versions not stated): gnomAD 0.00001; gnomAD exomes 0.00001; ExAC 0.00002; TOPMed 0.00002; ESP Exome Variant Server 0.00008.

Submissions (2):

GeneDx
Classification: Uncertain significance. Last evaluated: 2026-02-03. Review status: criteria provided, single submitter. Criteria: GeneDx Variant Classification Process June 2021. Collection method: clinical testing. Allele origin: germline.
Comment: In silico analysis supports that this missense variant has a deleterious effect on protein structure/function; Has not been previously published as pathogenic or benign to our knowledge

Labcorp Genetics (formerly Invitae), Labcorp
Classification: Uncertain significance. Last evaluated: 2025-04-11. Review status: criteria provided, single submitter. Criteria: Invitae Variant Classification Sherloc (09022015). Collection method: clinical testing. Allele origin: germline.
Comment: This sequence change replaces proline, which is neutral and non-polar, with leucine, which is neutral and non-polar, at codon 69 of the DCHS1 protein (p.Pro69Leu). This variant is present in population databases (rs147489616, gnomAD 0.02%). This variant has not been reported in the literature in individuals affected with DCHS1-related conditions. ClinVar contains an entry for this variant (Variation ID: 2956123). Invitae Evidence Modeling of protein sequence and biophysical properties (such as structural, functional, and spatial information, amino acid conservation, physicochemical variation, residue mobility, and thermodynamic stability) indicates that this missense variant is not expected to disrupt DCHS1 protein function with a negative predictive value of 80%. In summary, the available evidence is currently insufficient to determine the role of this variant in disease. Therefore, it has been classified as a Variant of Uncertain Significance.